The following is an entry in ClinVar:

NM_001330288.2(SMARCC2):c.840+1G>T

Gene: SMARCC2 (SWI/SNF related BAF chromatin remodeling complex subunit C2; minus strand). Cytogenetic location: 12q13.2.
Variant type: single nucleotide variant.
Coding change: c.840+1G>T on transcript NM_001330288.2 (MANE Select); the canonical splice donor site of the intron after coding-DNA position 840, G replaced by T.
Molecular consequence: splice donor variant.
Genome position (GRCh38, 1-based): chr12:56,181,703, C>A on the plus strand (G>T on the coding strand, the complement: SMARCC2 is on the minus strand). VCF-style: chr12-56181703-C-A. GRCh37 (hg19) VCF-style: chr12-56575487-C-A.
Other names: c.840+1G>T (NM_003075.5, NM_139067.4, NM_001130420.3).
Identifiers: ClinVar variation 4086409 (VCV004086409.1).

ClinVar aggregate classification (germline): Likely pathogenic (1 of 4 stars; one submission).

Submission:

GeneDx
Classification: Likely pathogenic. Last evaluated: 2025-03-20. Review status: criteria provided, single submitter. Criteria: GeneDx Variant Classification Process June 2021. Collection method: clinical testing. Allele origin: germline. Affected: yes.
Comment: Canonical splice site variant predicted to result in an in-frame loss of the adjacent exon in a gene for which loss of function is a known mechanism of disease; Not observed at significant frequency in large population cohorts (gnomAD); Has not been previously published as pathogenic or benign to our knowledge